The following is an entry in ClinVar:

NM_006015.6(ARID1A):c.3109G>C (p.Gly1037Arg)

Gene: ARID1A (AT-rich interaction domain 1A; plus strand). Cytogenetic location: 1p36.11.
Variant type: single nucleotide variant.
Coding change: c.3109G>C on transcript NM_006015.6 (MANE Select); coding-DNA position 3109, G replaced by C.
Protein change: p.Gly1037Arg; replaces glycine 1037 with arginine.
Molecular consequence: missense variant.
Genome position (GRCh38, 1-based): chr1:26,767,910, G>C. VCF-style: chr1-26767910-G-C. GRCh37 (hg19) VCF-style: chr1-27094401-G-C.
Other names: c.3109G>C, p.Gly1037Arg (NM_139135.4); short protein forms G1037R.
Identifiers: ClinVar variation 4693672 (VCV004693672.2).

ClinVar aggregate classification (germline): Conflicting classifications of pathogenicity. Review status: criteria provided, conflicting classifications (1 of 4 stars). 2 submissions from 2 submitters: Uncertain significance (1); Likely benign (1). Last evaluated 2025-06-15.

Conditions:
ARID1A-related disorder. Also called: ARID1A-related condition.

gnomAD v4.1: 40 of 1,614,024 alleles (0.0025%); highest among the groups gnomAD compares: Middle Eastern, 0.033%; no homozygotes.

Submissions (2):

Labcorp Genetics (formerly Invitae), Labcorp
Classification: Uncertain significance. Last evaluated: 2025-06-15. Review status: criteria provided, single submitter. Criteria: Invitae Variant Classification Sherloc (09022015). Collection method: clinical testing. Allele origin: germline.
Comment: This sequence change replaces glycine, which is neutral and non-polar, with arginine, which is basic and polar, at codon 1037 of the ARID1A protein (p.Gly1037Arg). This variant is present in population databases (rs144496027, gnomAD 0.007%). This variant has not been reported in the literature in individuals affected with ARID1A-related conditions. Invitae Evidence Modeling of protein sequence and biophysical properties (such as structural, functional, and spatial information, amino acid conservation, physicochemical variation, residue mobility, and thermodynamic stability) has been performed for this missense variant. However, the output from this modeling did not meet the statistical confidence thresholds required to predict the impact of this variant on ARID1A protein function. In summary, the available evidence is currently insufficient to determine the role of this variant in disease. Therefore, it has been classified as a Variant of Uncertain Significance.

PreventionGenetics, part of Exact Sciences
Classification: Likely benign for ARID1A-related condition. Last evaluated: 2025-04-17. Review status: criteria provided, single submitter. Criteria: ACMG Guidelines, 2015. Collection method: clinical testing. Allele origin: germline.
Comment: This variant is classified as likely benign based on ACMG/AMP sequence variant interpretation guidelines (Richards et al. 2015 PMID: 25741868, with internal and published modifications).